The following is an entry in ClinVar:

ClinVar aggregate classification (germline): Likely benign (1 of 4 stars; one submission).

gnomAD v4.1: 30 of 1,614,006 alleles (0.0019%); highest among the groups gnomAD compares: Admixed American, 0.0033%; no homozygotes.

Submission:

CeGaT Center for Human Genetics Tuebingen
Classification: Likely benign. Last evaluated: 2026-08-01. Review status: criteria provided, single submitter. Criteria: CeGaT Center For Human Genetics Tuebingen Variant Classification Criteria Version 2. Collection method: clinical testing. Allele origin: germline. Affected: yes. Observed: 1 variant allele.
Comment: TENM3: BP4, BP7

NM_001080477.4(TENM3):c.5163C>T (p.His1721=)

Gene: TENM3 (teneurin transmembrane protein 3; plus strand). Cytogenetic location: 4q35.1.
Variant type: single nucleotide variant.
Coding change: c.5163C>T on transcript NM_001080477.4 (MANE Select); coding-DNA position 5163, C replaced by T.
Protein change: p.His1721=; no amino-acid change (histidine 1721 retained).
Molecular consequence: synonymous variant.
Genome position (GRCh38, 1-based): chr4:182,775,012, C>T. VCF-style: chr4-182775012-C-T. GRCh37 (hg19) VCF-style: chr4-183696165-C-T.
Other names: c.4395C>T, p.His1465= (NM_001415960.1); c.4368C>T, p.His1456= (NM_001415961.1); c.4365C>T, p.His1455= (NM_001415962.1); c.4347C>T, p.His1449= (NM_001415963.1); c.4344C>T, p.His1448= (NM_001415964.1); c.4881C>T, p.His1627= (NM_001415966.1); c.4905C>T, p.His1635= (NM_001415967.1); c.5181C>T, p.His1727= (NM_001415968.1); and 4 more.
Identifiers: ClinVar variation 5039415 (VCV005039415.1).